The following is an entry in ClinVar:

ClinVar aggregate classification (germline): Conflicting classifications of pathogenicity. Review status: criteria provided, conflicting classifications (1 of 4 stars). 6 submissions from 6 submitters: Uncertain significance (3); Likely benign (2). 1 of the submissions does not count toward it. Last evaluated 2026-01-26.

Conditions:
Glycogen storage disease, type V (GSD5). Also called: MCARDLE DISEASE; MUSCLE GLYCOGEN PHOSPHORYLASE DEFICIENCY; MYOPHOSPHORYLASE DEFICIENCY; PYGM DEFICIENCY; McArdle type glycogen storage disease. Identifiers: Orphanet 368, MedGen C0017924, MONDO:0009293, OMIM 232600.

Allele frequency attached by ClinVar (database versions not stated): gnomAD exomes 0.00004 and 0.00027; TOPMed 0.00014; gnomAD 0.00016 and 0.00020; ExAC 0.00021; 1000 Genomes Project 30x 0.00109; 1000 Genomes Project 0.00140.
gnomAD v4.1: 138 of 1,614,168 alleles (0.0085%); highest among the groups gnomAD compares: East Asian, 0.14%; 2 homozygotes.

Submissions (6):

Labcorp Genetics (formerly Invitae), Labcorp
Classification: Likely benign for Glycogen storage disease, type V. Last evaluated: 2026-01-26. Review status: criteria provided, single submitter. Criteria: Invitae Variant Classification Sherloc (09022015). Collection method: clinical testing. Allele origin: germline.

Revvity Omics, Revvity
Classification: Uncertain significance for Glycogen storage disease, type V. Last evaluated: 2023-02-03. Review status: criteria provided, single submitter. Criteria: ACMG Guidelines, 2015. Collection method: clinical testing. Allele origin: germline.

Mayo Clinic Laboratories, Mayo Clinic
Classification: Uncertain significance. Last evaluated: 2022-11-30. Review status: criteria provided, single submitter. Criteria: ACMG Guidelines, 2015. Collection method: clinical testing. Allele origin: germline. Observed: 1 variant allele.
Comment: BS1

GeneDx
Classification: Likely benign. Last evaluated: 2019-12-09. Review status: criteria provided, single submitter. Criteria: GeneDx Variant Classification Process June 2021. Collection method: clinical testing. Allele origin: germline. Affected: yes.

Illumina Laboratory Services, Illumina
Classification: Uncertain significance for Glycogen storage disease, type V. Last evaluated: 2018-01-13. Review status: criteria provided, single submitter. Criteria: ICSL Variant Classification Criteria 13 December 2019. Collection method: clinical testing. Allele origin: germline.

Natera, Inc.
Classification: Benign for Glycogen storage disease V. Last evaluated: 2020-04-14. Review status: no assertion criteria provided. Collection method: clinical testing. Allele origin: germline. Not counted in ClinVar's aggregate classification.

NM_005609.4(PYGM):c.2290A>G (p.Asn764Asp)

Gene: PYGM (glycogen phosphorylase, muscle associated; minus strand). Cytogenetic location: 11q13.1.
Variant type: single nucleotide variant.
Coding change: c.2290A>G on transcript NM_005609.4 (MANE Select); coding-DNA position 2290, A replaced by G.
Protein change: p.Asn764Asp; replaces asparagine 764 with aspartic acid.
Molecular consequence: missense variant.
Genome position (GRCh38, 1-based): chr11:64,747,246, T>C on the plus strand (A>G on the coding strand, the complement: PYGM is on the minus strand). VCF-style: chr11-64747246-T-C. GRCh37 (hg19) VCF-style: chr11-64514718-T-C.
Other names: p.Asn764Asp; c.2026A>G, p.Asn676Asp (NM_001164716.1); short protein forms N764D, N676D.
Identifiers: ClinVar variation 305268 (VCV000305268.22), dbSNP rs190548494, ClinGen allele CA6079579.